The following is an entry in ClinVar:

ClinVar aggregate classification (germline): Pathogenic (1 of 4 stars; one submission).

Submission:

Illumina Laboratory Services, Illumina
Classification: Pathogenic. Last evaluated: 2019-06-24. Review status: criteria provided, single submitter. Criteria: ICSL CNVClassificationCriteria Aug2020. Collection method: clinical testing. Allele origin: unknown.
Comment: This CNV is a 654 kb deletion of 15q11.2, on chromosome 15, (seq[GRCh37]del(15)(q11.2); chr15:g.22646799_23301267del), which is inherited. This CNV constitutes a loss encompassing 25 genes, including TUBGCP5, NIPA1, NIPA2 and CYFIP1, four highly conserved genes known to escape imprinting. This CNV closely overlaps the well-described 15q11.2 microdeletion syndrome which has been reported in many cases in the literature, and is positioned between the known breakpoints, BP1 and BP2 on 15q (Cox and Butler 2015; Vanlerberghe et al. 2015). Similar CNVs have been reported in controls, however, this CNV is known to have reduced penetrance as low as 10.4% and to be frequently inherited from an unaffected or very mildly affected parent (Kovel et al. 2010; Von der Lippe et al. 2011; Cox and Butler 2015). Based on the collective evidence, this CNV is classified as pathogenic.

Literature cited by the submitters: PubMed 19843651; PubMed 21187176; PubMed 25596525; PubMed 25689425.

GRCh37/hg19 15q11.2(chr15:22646799-23301267)x1

Genes: CYFIP1 (cytoplasmic FMR1 interacting protein 1; minus strand), GOLGA6L1 (golgin A6 family like 1; minus strand), NIPA1 (NIPA magnesium transporter 1; plus strand), NIPA2 (NIPA magnesium transporter 2; plus strand), TUBGCP5 (tubulin gamma complex associated protein 5; minus strand). Cytogenetic location: 15q11.2.
Variant type: copy number loss.
Change: copy number 1 (one copy instead of two) of chr15:22,646,799-23,301,267 (654.5 kb, GRCh37 coordinates, 1-based), cytogenetic band 15q11.2.
Identifiers: ClinVar variation 988923 (VCV000988923.4).